The following is an entry in ClinVar:

ClinVar aggregate classification (germline): Likely pathogenic (1 of 4 stars; one submission).

Conditions:
Polycystic kidney disease 4 (PKD4). Also called: POLYCYSTIC KIDNEY AND HEPATIC DISEASE 1; POLYCYSTIC KIDNEY DISEASE, INFANTILE, TYPE I; POLYCYSTIC KIDNEY DISEASE 4 WITH OR WITHOUT POLYCYSTIC LIVER DISEASE; PKD3; Autosomal Recessive Polycystic Kidney Disease – PKHD1. Identifiers: MedGen C4540575, MONDO:0033004, OMIM 263200.

Submission:

Myriad Genetics, Inc.
Classification: Likely pathogenic for Polycystic kidney disease 4. Last evaluated: 2022-05-04. Review status: criteria provided, single submitter. Criteria: Myriad Women's Health Autosomal Recessive and X-Linked Classification Criteria (2021). Collection method: clinical testing. Allele origin: unknown.
Comment: NM_138694.3(PKHD1):c.6776delT(F2259Sfs*5) is expected to be pathogenic in the context of autosomal recessive polycystic kidney disease, PKHD1-related. This variant is predicted to lead to an abnormal or absent protein product due to the creation of a premature termination codon in PKHD1, a gene where loss-of-function variants are known to be pathogenic. Please note: this variant was assessed in the context of healthy population screening.

NM_138694.4(PKHD1):c.6776del (p.Phe2259fs)

Gene: PKHD1 (PKHD1 ciliary IPT domain containing fibrocystin/polyductin; minus strand). Cytogenetic location: 6p12.2.
Variant type: Deletion.
Coding change: c.6776del on transcript NM_138694.4 (MANE Select); coding-DNA position 6776, one base deleted (T; older notation c.6776delT).
Protein change: p.Phe2259fs; shifts the reading frame from phenylalanine 2259.
Molecular consequence: frameshift variant.
Genome position (GRCh38, 1-based): chr6:51,906,247, A deleted on the plus strand (T on the coding strand, the reverse complement: PKHD1 is on the minus strand); the first of 2 consecutive A bases (chr6:51,906,247-51,906,248); deleting either gives the same sequence. VCF-style (leftmost placement, unchanged base first): chr6-51906246-GA-G. GRCh37 (hg19) VCF-style: chr6-51771044-GA-G.
Other names: c.6776del, p.Phe2259fs (NM_170724.3); short protein forms F2259fs.
Identifiers: ClinVar variation 1726006 (VCV001726006.2), dbSNP rs2536570679, ClinGen allele CA2580075461.